The following is an entry in ClinVar:

NM_000059.4(BRCA2):c.9638del (p.Asn3213fs)

Gene: BRCA2 (BRCA2 DNA repair associated; plus strand). Cytogenetic location: 13q13.1.
Variant type: Deletion.
Coding change: c.9638del on transcript NM_000059.4 (MANE Select); coding-DNA position 9638, one base deleted (A; older notation c.9638delA).
Protein change: p.Asn3213fs; shifts the reading frame from asparagine 3213.
Molecular consequence: frameshift variant. On other transcripts: non-coding transcript variant (1).
Genome position (GRCh38, 1-based): chr13:32,397,034, A deleted; the last of 3 consecutive A bases (chr13:32,397,032-32,397,034); deleting any one gives the same sequence. VCF-style (leftmost placement, unchanged base first): chr13-32397031-GA-G. GRCh37 (hg19) VCF-style: chr13-32971168-GA-G.
Other names: c.9542del, p.Asn3181fs (NM_001406719.1); c.9587del, p.Asn3196fs (NM_001406720.1); c.4706del, p.Asn1569fs (NM_001406721.1); c.3221del, p.Asn1074fs (NM_001406722.1); c.9638del, p.Asn3213fs (NM_001432077.1); short protein forms N1074fs, N1569fs, N3181fs, N3196fs, N3213fs.
Identifiers: ClinVar variation 5042086 (VCV005042086.1).
Genomic context (GRCh38, chr13:32,397,031, plus strand): 5'-CCACCCCAACTAAAGACTGTACTTCAGGGCCGTACACTGCTCAAATCATTCCTGGTACAG[GA>G]AACAAGCTTCTGGTAAGTTAATGTAAACTCAAGGAATATTATAAGAAGTATATATGGAGG-3'

ClinVar aggregate classification (germline): Pathogenic (1 of 4 stars; one submission).

Conditions:
Breast-ovarian cancer, familial, susceptibility to, 2 (BROVCA2). Also called: BRCA2 Hereditary Breast and Ovarian Cancer. Identifiers: Orphanet 145, MedGen C2675520, MONDO:0012933, OMIM 612555. Disease mechanism: loss of function.

Submission:

Myriad Genetics, Inc.
Classification: Pathogenic for Breast-ovarian cancer, familial, susceptibility to, 2. Last evaluated: 2026-08-10. Review status: criteria provided, single submitter. Criteria: Myriad Autosomal Dominant, Autosomal Recessive and X-Linked Classification Criteria (2023). Collection method: clinical testing. Allele origin: unknown.
Comment: This variant is considered pathogenic. This variant creates a frameshift predicted to result in premature protein truncation.